The following is an entry in ClinVar:

ClinVar aggregate classification (germline): Pathogenic (1 of 4 stars; one submission).

Submission:

Labcorp Genetics (formerly Invitae), Labcorp
Classification: Pathogenic. Last evaluated: 2022-01-14. Review status: criteria provided, single submitter. Criteria: Invitae Variant Classification Sherloc (09022015). Collection method: clinical testing. Allele origin: germline.
Comment: This variant is a gross deletion of the genomic region encompassing exon(s) 3-13 of the TMC1 gene, which includes the initiator codon. This deletion extends beyond the assayed region for this gene and therefore may encompass additional genes. It is expected to result in an absent or disrupted protein product. Loss-of-function variants in TMC1 are known to be pathogenic (PMID: 11850618, 22105175). For these reasons, this variant has been classified as Pathogenic. This variant has not been reported in the literature in individuals affected with TMC1-related conditions.

Literature cited by the submitters: PubMed 11850618; PubMed 22105175.

NC_000009.11:g.(?_75231331)_(75387491_?)del

Gene: TMC1 (transmembrane channel like 1; plus strand). Cytogenetic location: 9q21.13.
Variant type: Deletion.
Identifiers: ClinVar variation 1460127 (VCV001460127.5).